The following is an entry in ClinVar:

NM_004415.4(DSP):c.4751del (p.Ala1584fs)

Gene: DSP (desmoplakin; plus strand). Cytogenetic location: 6p24.3.
Variant type: Deletion.
Coding change: c.4751del on transcript NM_004415.4 (MANE Select); coding-DNA position 4751, one base deleted (C; older notation c.4751delC).
Protein change: p.Ala1584fs; shifts the reading frame from alanine 1584.
Molecular consequence: frameshift variant. On other transcripts: intron variant (2).
Genome position (GRCh38, 1-based): chr6:7,580,941, C deleted. VCF-style (leftmost placement, unchanged base first): chr6-7580940-GC-G. GRCh37 (hg19) VCF-style: chr6-7581173-GC-G.
Other names: c.4050+701del (NM_001319034.2); c.3582+1169del (NM_001008844.3); short protein forms A1584fs.
Identifiers: ClinVar variation 2933521 (VCV002933521.3), dbSNP rs1366601691, ClinGen allele CA828145294.
Genomic context (GRCh38, chr6:7,580,940, plus strand): 5'-AAAGAGCTGCAGCTGCAGAAGCAGAAGGTGGAAGAGGAGCTGAATCGGCTGAAGAGGACC[GC>G]GTCAGAAGACTCCTGCAAGAGGAAGAAGCTGGAGGAAGAGCTGGAAGGCATGAGGAGGTC-3'

ClinVar aggregate classification (germline): Pathogenic (1 of 4 stars; one submission).

Conditions:
Arrhythmogenic cardiomyopathy with wooly hair and keratoderma. Also called: PALMOPLANTAR KERATODERMA WITH LEFT VENTRICULAR CARDIOMYOPATHY AND WOOLLY HAIR; Carvajal syndrome; Arrhythmogenic cardiomyopathy with woolly hair and keratoderma; Dilated cardiomyopathy with woolly hair and keratoderma. Identifiers: Orphanet 65282, MedGen C1854063, MONDO:0011581, OMIM 605676.
Arrhythmogenic right ventricular dysplasia 8 (ARVD8). Also called: Arrhythmogenic Right Ventricular Dysplasia/Cardiomyopathy 8; ARRHYTHMOGENIC RIGHT VENTRICULAR DYSPLASIA, FAMILIAL, 8; ARRHYTHMOGENIC RIGHT VENTRICULAR CARDIOMYOPATHY 8. Identifiers: MedGen C1843896, MONDO:0011831, OMIM 607450.

Allele frequency attached by ClinVar (database versions not stated): TOPMed below 0.00001; gnomAD 0.00001.

Submission:

Labcorp Genetics (formerly Invitae), Labcorp
Classification: Pathogenic for Arrhythmogenic cardiomyopathy with wooly hair and keratoderma; Arrhythmogenic right ventricular dysplasia 8. Last evaluated: 2024-09-30. Review status: criteria provided, single submitter. Criteria: Invitae Variant Classification Sherloc (09022015). Collection method: clinical testing. Allele origin: germline.
Comment: This sequence change creates a premature translational stop signal (p.Ala1584Glyfs*18) in the DSP gene. It is expected to result in an absent or disrupted protein product. Loss-of-function variants in DSP are known to be pathogenic (PMID: 20716751, 24503780, 25227139). This variant is not present in population databases (gnomAD no frequency). This variant has not been reported in the literature in individuals affected with DSP-related conditions. For these reasons, this variant has been classified as Pathogenic.

Literature cited by the submitters: PubMed 20716751; PubMed 24503780; PubMed 25227139.